The following is an entry in ClinVar:

ClinVar aggregate classification (germline): Uncertain significance (1 of 4 stars; one submission).

Conditions:
Cardiovascular phenotype. Identifiers: MedGen CN230736.

Submission:

Ambry Genetics
Classification: Uncertain significance for Cardiovascular phenotype. Last evaluated: 2026-03-28. Review status: criteria provided, single submitter. Criteria: Ambry Variant Classification Scheme 2023. Collection method: clinical testing. Allele origin: germline.
Comment: The p.V3220L variant (also known as c.9658G>T), located in coding exon 38 of the ANK2 gene, results from a G to T substitution at nucleotide position 9658. The valine at codon 3220 is replaced by leucine, an amino acid with highly similar properties. This amino acid position is conserved. In addition, this alteration is predicted to be tolerated by in silico analysis. Based on the available evidence, the clinical significance of this variant remains unclear.

NM_001148.6(ANK2):c.9658G>T (p.Val3220Leu)

Gene: ANK2 (ankyrin 2; plus strand). Cytogenetic location: 4q26.
Variant type: single nucleotide variant.
Coding change: c.9658G>T on transcript NM_001148.6 (MANE Select); coding-DNA position 9658, G replaced by T.
Protein change: p.Val3220Leu; replaces valine 3220 with leucine.
Molecular consequence: missense variant. On other transcripts: intron variant (68).
Genome position (GRCh38, 1-based): chr4:113,358,276, G>T. VCF-style: chr4-113358276-G-T. GRCh37 (hg19) VCF-style: chr4-114279432-G-T.
Other names: c.9424G>T, p.Val3142Leu (NM_001386142.1); c.6058G>T, p.Val2020Leu (NM_001386166.1); c.9799G>T, p.Val3267Leu (NM_001386174.1); c.9775G>T, p.Val3259Leu (NM_001386175.1); c.4412-2547G>T (NM_001386186.2, NM_001386148.2); c.4214-2547G>T (NM_001354269.3); c.4292-2547G>T (NM_001386187.2); c.4253-2547G>T (NM_001386147.1); and 35 more; short protein forms V2020L, V3142L, V3220L, V3259L, V3267L.
Identifiers: ClinVar variation 4858035 (VCV004858035.1).